The following is an entry in ClinVar:

NM_000211.5(ITGB2):c.1315G>A (p.Val439Met)

Gene: ITGB2 (integrin subunit beta 2; minus strand). Cytogenetic location: 21q22.3.
Variant type: single nucleotide variant.
Coding change: c.1315G>A on transcript NM_000211.5 (MANE Select); coding-DNA position 1315, G replaced by A.
Protein change: p.Val439Met; replaces valine 439 with methionine.
Molecular consequence: missense variant.
Genome position (GRCh38, 1-based): chr21:44,891,906, C>T on the plus strand (G>A on the coding strand, the complement: ITGB2 is on the minus strand). VCF-style: chr21-44891906-C-T. GRCh37 (hg19) VCF-style: chr21-46311821-C-T.
Other names: c.1315G>A, p.Val439Met (NM_001127491.3); c.1108G>A, p.Val370Met (NM_001303238.2); short protein forms V370M, V439M.
Identifiers: ClinVar variation 2174767 (VCV002174767.2), dbSNP rs372056902, ClinGen allele CA10062860.
Genomic context (GRCh38, chr21:44,891,906, plus strand): 5'-AGAGGCTGCGGTCTCTGCTCTGGTCCCGGCACCGGCACTCACACTGGGGAAGAACCTGCA[C>T]GGTCACTATGTCCGTGAAGCCCAGCGCCCGGATGACAAACGACTGCTCCTGGATGCACTC-3'
Protein context (NP_000202.3, residues 429-449): RALGFTDIVT[Val439Met]QVLPQCECRC

ClinVar aggregate classification (germline): Uncertain significance (1 of 4 stars; one submission).

Conditions:
Leukocyte adhesion deficiency 1 (LAD1). Also called: LAD 1; Lymphocyte function-associated antigen 1 immunodeficiency; LFA 1 immunodeficiency; LEUKOCYTE ADHESION DEFICIENCY, TYPE I. Identifiers: Orphanet 2968, Orphanet 99842, MedGen C0398738, MONDO:0007293, OMIM 116920.

Allele frequency attached by ClinVar (database versions not stated): ExAC 0.00003; TOPMed 0.00003; gnomAD 0.00004; ESP Exome Variant Server 0.00008; 1000 Genomes Project 30x 0.00016; 1000 Genomes Project 0.00020.
gnomAD v4.1: 40 of 1,613,260 alleles (0.0025%); highest among the groups gnomAD compares: East Asian, 0.0045%; no homozygotes.

Submission:

Labcorp Genetics (formerly Invitae), Labcorp
Classification: Uncertain significance for Leukocyte adhesion deficiency 1. Last evaluated: 2025-11-11. Review status: criteria provided, single submitter. Criteria: Invitae Variant Classification Sherloc (09022015). Collection method: clinical testing. Allele origin: germline.
Comment: This sequence change replaces valine, which is neutral and non-polar, with methionine, which is neutral and non-polar, at codon 439 of the ITGB2 protein (p.Val439Met). The frequency data for this variant in the population databases is considered unreliable, as metrics indicate poor data quality at this position in the gnomAD database. This variant has not been reported in the literature in individuals affected with ITGB2-related conditions. ClinVar contains an entry for this variant (Variation ID: 2174767). Invitae Evidence Modeling of protein sequence and biophysical properties (such as structural, functional, and spatial information, amino acid conservation, physicochemical variation, residue mobility, and thermodynamic stability) has been performed for this missense variant. However, the output from this modeling did not meet the statistical confidence thresholds required to predict the impact of this variant on ITGB2 protein function. In summary, the available evidence is currently insufficient to determine the role of this variant in disease. Therefore, it has been classified as a Variant of Uncertain Significance.